The following is an entry in ClinVar:

ClinVar aggregate classification (germline): Pathogenic/Likely pathogenic. Review status: criteria provided, multiple submitters, no conflicts (2 of 4 stars). 5 submissions from 5 submitters: Pathogenic (2); Likely pathogenic (2). 1 of the submissions does not count toward it. Last evaluated 2026-08-07.

Conditions:
Fanconi anemia complementation group O. Also called: RAD51C-Related Fanconi Anemia. Identifiers: Orphanet 84, MedGen C3150653, MONDO:0013248, OMIM 613390.
Breast-ovarian cancer, familial, susceptibility to, 3. Also called: RAD51C-Related Breast/Ovarian Cancer. Identifiers: Orphanet 145, MedGen C3150659, MONDO:0013253, OMIM 613399.
Hereditary cancer-predisposing syndrome. Also called: Neoplastic Syndromes, Hereditary; Tumor predisposition; Hereditary neoplastic syndrome; Hereditary Cancer Syndrome. Identifiers: Orphanet 140162, MedGen C0027672, MeSH D009386, MONDO:0015356.

Submissions (5):

Institute of Human Genetics, Heidelberg University
Classification: Likely pathogenic for Breast-ovarian cancer, familial, susceptibility to, 3. Last evaluated: 2026-08-07. Review status: criteria provided, single submitter. Criteria: ACMG Guidelines, 2015. Collection method: clinical testing. Allele origin: paternal. Affected: no. Observed: 2 variant alleles.
Comment: PVS1_vs; PM2_supp

Ambry Genetics
Classification: Likely pathogenic for Hereditary cancer-predisposing syndrome. Last evaluated: 2023-12-26. Review status: criteria provided, single submitter. Criteria: Ambry Variant Classification Scheme 2023. Collection method: clinical testing. Allele origin: germline.
Comment: The c.52_53delCC variant, located in coding exon 1 of the RAD51C gene, results from a deletion of two nucleotides at nucleotide positions 52 to 53, causing a translational frameshift with a predicted alternate stop codon (p.P18Afs*18). The predicted stop codon occurs in the 5&rsquo; end of theRAD51C gene. Premature termination codons in the 5&rsquo; end of a gene have been reported to escape nonsense-mediated mRNAdecay and/or lead to re-initiation (Rivas et al. Science. 2015 May 8;348(6235):666-9; Lindeboom et al. Nat Genet. 2016 Oct;48(10):1112-8; Rhee et al. Sci Rep. 2017 May 10;7(1):1653). Direct evidence for this alteration is unavailable, however premature termination codons are typically deleterious in nature. Based on the majority of available evidence to date, this variant is likely to be pathogenic.

Baylor Genetics
Classification: Pathogenic for Breast-ovarian cancer, familial, susceptibility to, 3. Last evaluated: 2022-06-07. Review status: criteria provided, single submitter. Criteria: ACMG Guidelines, 2015. Collection method: clinical testing. Allele origin: unknown.

Labcorp Genetics (formerly Invitae), Labcorp
Classification: Pathogenic for Fanconi anemia complementation group O. Last evaluated: 2022-03-02. Review status: criteria provided, single submitter. Criteria: Invitae Variant Classification Sherloc (09022015). Collection method: clinical testing. Allele origin: germline.
Comment: ClinVar contains an entry for this variant (Variation ID: 653763). For these reasons, this variant has been classified as Pathogenic. This variant is also known as c.51_52del, p.F17fs. This premature translational stop signal has been observed in individual(s) with breast and ovarian cancer (PMID: 28975465). This variant is not present in population databases (gnomAD no frequency). This sequence change creates a premature translational stop signal (p.Pro18Alafs*18) in the RAD51C gene. It is expected to result in an absent or disrupted protein product. Loss-of-function variants in RAD51C are known to be pathogenic (PMID: 20400964, 21990120, 24800917).

BRCAlab, Lund University
Classification: Pathogenic for Breast-ovarian cancer, familial, susceptibility to, 3. Last evaluated: 2022-08-26. Review status: no assertion criteria provided. Collection method: clinical testing. Allele origin: germline. Affected: yes. Not counted in ClinVar's aggregate classification.

Literature cited by the submitters: PubMed 28975465 (cited by Labcorp Genetics (formerly Invitae), Labcorp); PubMed 20400964 (cited by Labcorp Genetics (formerly Invitae), Labcorp); PubMed 21990120 (cited by Labcorp Genetics (formerly Invitae), Labcorp); PubMed 24800917 (cited by Labcorp Genetics (formerly Invitae), Labcorp).

NM_058216.3(RAD51C):c.52_53del (p.Pro18fs)

Gene: RAD51C (RAD51 paralog C; plus strand). Cytogenetic location: 17q22.
Variant type: Deletion.
Coding change: c.52_53del on transcript NM_058216.3 (MANE Select); coding-DNA positions 52 to 53, 2 bases deleted (CC; older notation c.52_53delCC).
Protein change: p.Pro18fs; shifts the reading frame from proline 18.
Molecular consequence: frameshift variant. On other transcripts: non-coding transcript variant (1).
Genome position (GRCh38, 1-based): chr17:58,692,695-58,692,696, CC deleted; deleting any 2 consecutive bases within chr17:58,692,694-58,692,696 gives the same sequence; the c. name uses the placement nearest the transcript's 3' end. VCF-style (leftmost placement, unchanged base first): chr17-58692693-TCC-T. GRCh37 (hg19) VCF-style: chr17-56770054-TCC-T.
Other names: c.52_53del, p.Pro18fs (NM_002876.4); c.52_53del (NM_058216.2); c.52_53delCC (NM_058216.1); short protein forms P18fs.
Identifiers: ClinVar variation 653763 (VCV000653763.33), dbSNP rs1598448896, ClinGen allele CA915950641.